The following is an entry in ClinVar:

ClinVar aggregate classification (germline): Likely benign (1 of 4 stars; one submission).

Allele frequency attached by ClinVar (database versions not stated): 1000 Genomes Project 30x 0.00047; 1000 Genomes Project 0.00060; TOPMed 0.00156; gnomAD 0.00157; ExAC 0.00183; gnomAD exomes 0.00190; ESP Exome Variant Server 0.00244.

Submission:

CeGaT Center for Human Genetics Tuebingen
Classification: Likely benign. Last evaluated: 2023-01-01. Review status: criteria provided, single submitter. Criteria: CeGaT Center For Human Genetics Tuebingen Variant Classification Criteria Version 2. Collection method: clinical testing. Allele origin: germline. Affected: yes. Observed: 1 variant allele.
Comment: MAZ: BP4, BP7

NM_002383.4(MAZ):c.603C>T (p.Asn201=)

Genes: MAZ (MYC associated zinc finger protein; plus strand), LOC130058786 (ATAC-STARR-seq lymphoblastoid silent region 7337; plus strand). Cytogenetic location: 16p11.2.
Variant type: single nucleotide variant.
Coding change: c.603C>T on transcript NM_002383.4 (MANE Select); coding-DNA position 603, C replaced by T.
Protein change: p.Asn201=; no amino-acid change (asparagine 201 retained).
Molecular consequence: synonymous variant. On other transcripts: intron variant (1).
Genome position (GRCh38, 1-based): chr16:29,807,388, C>T. VCF-style: chr16-29807388-C-T. GRCh37 (hg19) VCF-style: chr16-29818709-C-T.
Other names: c.603C>T, p.Asn201= (NM_001042539.3); c.534C>T, p.Asn178= (NM_001276275.2); c.192+495C>T (NM_001276276.2).
Identifiers: ClinVar variation 2646366 (VCV002646366.24), dbSNP rs140085104, ClinGen allele CA7993806.
Genomic context (GRCh38, chr16:29,807,388, plus strand): 5'-GAAGAAGACAAAGAGCAAGGGGCCCTACATCTGCGCTCTGTGCGCCAAGGAGTTCAAGAA[C>T]GGCTACAATCTCCGGAGGCACGAAGCCATCCACACGGGAGCCAAGGCCGGCCGGGTCCCC-3'
Protein context (NP_002374.2, residues 191-211): ICALCAKEFK[Asn201=]GYNLRRHEAI